The following is an entry in ClinVar:

NM_000465.4(BARD1):c.349G>A (p.Asp117Asn)

Gene: BARD1 (BRCA1 associated RING domain 1; minus strand). Cytogenetic location: 2q35.
Variant type: single nucleotide variant.
Coding change: c.349G>A on transcript NM_000465.4 (MANE Select); coding-DNA position 349, G replaced by A.
Protein change: p.Asp117Asn; replaces aspartic acid 117 with asparagine.
Molecular consequence: missense variant. On other transcripts: non-coding transcript variant (1), intron variant (2).
Genome position (GRCh38, 1-based): chr2:214,792,312, C>T on the plus strand (G>A on the coding strand, the complement: BARD1 is on the minus strand). VCF-style: chr2-214792312-C-T. GRCh37 (hg19) VCF-style: chr2-215657036-C-T.
Other names: c.292G>A, p.Asp98Asn (NM_001282543.2); c.349G>A, p.Asp117Asn (NM_001282549.2); c.158+17100G>A (NM_001282548.2); c.215+4749G>A (NM_001282545.2); short protein forms D98N, D117N.
Identifiers: ClinVar variation 2888602 (VCV002888602.3), dbSNP rs2469560288, ClinGen allele CA350460781.

ClinVar aggregate classification (germline): Uncertain significance (1 of 4 stars; one submission).

Conditions:
Familial cancer of breast. Also called: hereditary breast carcinoma; BREAST CANCER, FAMILIAL; Hereditary breast cancer. Identifiers: Orphanet 227535, MedGen C0346153, MONDO:0016419, OMIM 114480. Disease mechanism: loss of function.

Submission:

Labcorp Genetics (formerly Invitae), Labcorp
Classification: Uncertain significance for Familial cancer of breast. Last evaluated: 2023-03-29. Review status: criteria provided, single submitter. Criteria: Invitae Variant Classification Sherloc (09022015). Collection method: clinical testing. Allele origin: germline.
Comment: In summary, the available evidence is currently insufficient to determine the role of this variant in disease. Therefore, it has been classified as a Variant of Uncertain Significance. Algorithms developed to predict the effect of missense changes on protein structure and function output the following: SIFT: "Not Available"; PolyPhen-2: "Benign"; Align-GVGD: "Not Available". The asparagine amino acid residue is found in multiple mammalian species, which suggests that this missense change does not adversely affect protein function. This variant has not been reported in the literature in individuals affected with BARD1-related conditions. This variant is not present in population databases (gnomAD no frequency). This sequence change replaces aspartic acid, which is acidic and polar, with asparagine, which is neutral and polar, at codon 117 of the BARD1 protein (p.Asp117Asn).